The following is an entry in ClinVar:

NM_024079.5(ALG8):c.368+2T>G

Gene: ALG8 (ALG8 alpha-1,3-glucosyltransferase; minus strand). Cytogenetic location: 11q14.1.
Variant type: single nucleotide variant.
Coding change: c.368+2T>G on transcript NM_024079.5 (MANE Select); the canonical splice donor site of the intron after coding-DNA position 368, T replaced by G.
Molecular consequence: splice donor variant.
Genome position (GRCh38, 1-based): chr11:78,124,019, A>C on the plus strand (T>G on the coding strand, the complement: ALG8 is on the minus strand). VCF-style: chr11-78124019-A-C. GRCh37 (hg19) VCF-style: chr11-77835065-A-C.
Other names: c.368+2T>G (NM_001007027.3).
Identifiers: ClinVar variation 863568 (VCV000863568.11), dbSNP rs756894409, ClinGen allele CA6203528.

ClinVar aggregate classification (germline): Likely pathogenic. Review status: criteria provided, multiple submitters, no conflicts (2 of 4 stars). 4 submissions from 4 submitters: Likely pathogenic (4). Last evaluated 2026-09-11.

Conditions:
ALG8-related disorder.
Polycystic liver disease 3 with or without kidney cysts. Identifiers: MedGen C4693472, MONDO:0054743, OMIM 617874.
ALG8 congenital disorder of glycosylation. Also called: CONGENITAL DISORDER OF GLYCOSYLATION, TYPE Ih; CDG Ih; ALG8-CDG. Identifiers: Orphanet 79325, MedGen C2931002, MONDO:0011969, OMIM 608104.

Allele frequency attached by ClinVar (database versions not stated): ExAC 0.00001; gnomAD 0.00001; gnomAD exomes 0.00001; TOPMed 0.00001.
gnomAD v4.1: 16 of 1,614,006 alleles (0.00099%); highest among the groups gnomAD compares: Non-Finnish European, 0.0014%; no homozygotes.

Submissions (4):

PreventionGenetics, part of Exact Sciences
Classification: Likely pathogenic for ALG8-related condition. Last evaluated: 2026-09-11. Review status: criteria provided, single submitter. Criteria: ACMG Guidelines, 2015. Collection method: clinical testing. Allele origin: germline.
Comment: The ALG8 c.368+2T>G variant is predicted to disrupt the GT donor site and interfere with normal splicing. This variant was reported in the heterozygous state in an individual with cystic kidney disease and in other individuals without sufficient clinical imaging or under 30 years old (Supplementary Table S7 and S8, Apple et al. 2023. PubMed ID: 36574950). Of note, a different canonical splice variant affecting the same splice site, defined as c.368+1G>A, has been reported in an individual with cystic kidney disease (Duan et al. 2024. PubMed ID: 39019822). The c.368+2T>G variant is reported in 0.0018% of alleles in individuals of European (Non-Finnish) descent in gnomAD. Variants that disrupt the consensus splice donor site in ALG8 are expected to be pathogenic. This variant is interpreted as likely pathogenic for both autosomal dominant and recessive ALG8-related disorders.

GeneDx
Classification: Likely pathogenic. Last evaluated: 2024-02-12. Review status: criteria provided, single submitter. Criteria: GeneDx Variant Classification Process June 2021. Collection method: clinical testing. Allele origin: germline. Affected: yes.
Comment: Canonical splice site variant predicted to result in a null allele in a gene for which loss of function is a known mechanism of disease; Not observed at significant frequency in large population cohorts (gnomAD); This variant is associated with the following publications: (PMID: 36574950)

Fulgent Genetics
Classification: Likely pathogenic for ALG8 congenital disorder of glycosylation; Polycystic liver disease 3 with or without kidney cysts. Last evaluated: 2022-05-18. Review status: criteria provided, single submitter. Criteria: ACMG Guidelines, 2015. Collection method: clinical testing. Allele origin: unknown.

Labcorp Genetics (formerly Invitae), Labcorp
Classification: Likely pathogenic for ALG8 congenital disorder of glycosylation. Last evaluated: 2019-12-04. Review status: criteria provided, single submitter. Criteria: Invitae Variant Classification Sherloc (09022015). Collection method: clinical testing. Allele origin: germline.
Comment: Donor and acceptor splice site variants typically lead to a loss of protein function (PMID: 16199547), and loss-of-function variants in ALG8 are known to be pathogenic (PMID: 19862844). In summary, the currently available evidence indicates that the variant is pathogenic, but additional data are needed to prove that conclusively. Therefore, this variant has been classified as Likely Pathogenic. Algorithms developed to predict the effect of sequence changes on RNA splicing suggest that this variant may disrupt the consensus splice site, but this prediction has not been confirmed by published transcriptional studies. This sequence change affects a donor splice site in intron 3 of the ALG8 gene. It is expected to disrupt RNA splicing and likely results in an absent or disrupted protein product. This variant is present in population databases (rs756894409, ExAC 0.001%). This variant has not been reported in the literature in individuals with ALG8-related conditions.

Literature cited by the submitters: PubMed 16199547 (cited by Labcorp Genetics (formerly Invitae), Labcorp); PubMed 19862844 (cited by Labcorp Genetics (formerly Invitae), Labcorp).